The following is an entry in ClinVar:

ClinVar aggregate classification (germline): Likely benign. Review status: criteria provided, single submitter (1 of 4 stars). 2 submissions from 2 submitters: Likely benign (1). 1 of the submissions does not count toward it. Last evaluated 2023-01-14.

Conditions:
ACAD9-related disorder. Also called: ACAD9-related condition.

Allele frequency attached by ClinVar (database versions not stated): gnomAD exomes below 0.00001; TOPMed below 0.00001.
gnomAD v4.1: 1 of 1,614,112 alleles (0.000062%); highest among the groups gnomAD compares: Non-Finnish European, 0.000085%; no homozygotes.

Submissions (2):

Labcorp Genetics (formerly Invitae), Labcorp
Classification: Likely benign. Last evaluated: 2023-01-14. Review status: criteria provided, single submitter. Criteria: Invitae Variant Classification Sherloc (09022015). Collection method: clinical testing. Allele origin: germline.

PreventionGenetics, part of Exact Sciences
Classification: Likely benign for ACAD9-related condition. Last evaluated: 2024-02-21. Review status: no assertion criteria provided. Collection method: clinical testing. Allele origin: germline. Not counted in ClinVar's aggregate classification.
Comment: This variant is classified as likely benign based on ACMG/AMP sequence variant interpretation guidelines (Richards et al. 2015 PMID: 25741868, with internal and published modifications).

NM_014049.5(ACAD9):c.1803G>C (p.Val601=)

Genes: ACAD9 (acyl-CoA dehydrogenase family member 9; plus strand), CFAP92 (cilia and flagella associated protein 92 (putative); minus strand). Cytogenetic location: 3q21.3.
Variant type: single nucleotide variant.
Coding change: c.1803G>C on transcript NM_014049.5 (MANE Select); coding-DNA position 1803, G replaced by C.
Protein change: p.Val601=; no amino-acid change (valine 601 retained).
Molecular consequence: synonymous variant. On other transcripts: non-coding transcript variant (1), intron variant (3).
Genome position (GRCh38, 1-based): chr3:128,912,544, G>C. VCF-style: chr3-128912544-G-C. GRCh37 (hg19) VCF-style: chr3-128631387-G-C.
Other names: c.1434G>C, p.Val478= (NM_001410805.1); c.2312-2211C>G (NM_001348521.2); c.2408-2211C>G (NM_001348520.2); c.3281-2211C>G (NM_001394090.1).
Identifiers: ClinVar variation 2902079 (VCV002902079.5), dbSNP rs1232069138, ClinGen allele CA354441593.